The following is an entry in ClinVar:

ClinVar aggregate classification (germline): Uncertain significance (1 of 4 stars; one submission).

Conditions:
Cardiovascular phenotype. Identifiers: MedGen CN230736.
Hereditary cancer-predisposing syndrome. Also called: Hereditary neoplastic syndrome; Neoplastic Syndromes, Hereditary; Tumor predisposition; Hereditary Cancer Syndrome. Identifiers: Orphanet 140162, MedGen C0027672, MeSH D009386, MONDO:0015356.

Submission:

Ambry Genetics
Classification: Uncertain significance for Cardiovascular phenotype; Hereditary cancer-predisposing syndrome. Last evaluated: 2025-07-15. Review status: criteria provided, single submitter. Criteria: Ambry Variant Classification Scheme 2023. Collection method: clinical testing. Allele origin: germline.
Comment: The p.C1365W variant (also known as c.4095C>G), located in coding exon 30 of the NF1 gene, results from a C to G substitution at nucleotide position 4095. The cysteine at codon 1365 is replaced by tryptophan, an amino acid with highly dissimilar properties. This amino acid position is conserved. In addition, this alteration is predicted to be deleterious by in silico analysis. Based on the available evidence, the clinical significance of this variant remains unclear.

NM_001042492.3(NF1):c.4095C>G (p.Cys1365Trp)

Gene: NF1 (neurofibromin 1; plus strand). Cytogenetic location: 17q11.2.
Variant type: single nucleotide variant.
Coding change: c.4095C>G on transcript NM_001042492.3 (MANE Select); coding-DNA position 4095, C replaced by G.
Protein change: p.Cys1365Trp; replaces cysteine 1365 with tryptophan.
Molecular consequence: missense variant.
Genome position (GRCh38, 1-based): chr17:31,249,104, C>G. VCF-style: chr17-31249104-C-G. GRCh37 (hg19) VCF-style: chr17-29576122-C-G.
Other names: c.4095C>G, p.Cys1365Trp (NM_000267.4); short protein forms C1365W.
Identifiers: ClinVar variation 4119103 (VCV004119103.1).